The following is an entry in ClinVar:

NM_152743.4(BRAT1):c.958C>T (p.Leu320Phe)

Gene: BRAT1 (BRCA1 associated ATM activator 1; minus strand). Cytogenetic location: 7p22.3.
Variant type: single nucleotide variant.
Coding change: c.958C>T on transcript NM_152743.4 (MANE Select); coding-DNA position 958, C replaced by T.
Protein change: p.Leu320Phe; replaces leucine 320 with phenylalanine.
Molecular consequence: missense variant. On other transcripts: non-coding transcript variant (1).
Genome position (GRCh38, 1-based): chr7:2,542,177, G>A on the plus strand (C>T on the coding strand, the complement: BRAT1 is on the minus strand). VCF-style: chr7-2542177-G-A. GRCh37 (hg19) VCF-style: chr7-2581811-G-A.
Other names: c.958C>T, p.Leu320Phe (NM_001350626.2); c.433C>T, p.Leu145Phe (NM_001350627.2); short protein forms L145F, L320F.
Identifiers: ClinVar variation 1039047 (VCV001039047.8), dbSNP rs1779227135, ClinGen allele CA366630337.

ClinVar aggregate classification (germline): Uncertain significance (1 of 4 stars; one submission).

Conditions:
Neonatal-onset encephalopathy with rigidity and seizures. Also called: Lethal neonatal spasticity-epileptic encephalopathy syndrome. Identifiers: Orphanet 435845, MedGen C3281029, MONDO:0013784, OMIM 614498.

Submission:

Labcorp Genetics (formerly Invitae), Labcorp
Classification: Uncertain significance for Neonatal-onset encephalopathy with rigidity and seizures. Last evaluated: 2020-05-22. Review status: criteria provided, single submitter. Criteria: Invitae Variant Classification Sherloc (09022015). Collection method: clinical testing. Allele origin: germline.
Comment: This sequence change replaces leucine with phenylalanine at codon 320 of the BRAT1 protein (p.Leu320Phe). The leucine residue is highly conserved and there is a small physicochemical difference between leucine and phenylalanine. This variant is not present in population databases (ExAC no frequency). This variant has not been reported in the literature in individuals with BRAT1-related conditions. Algorithms developed to predict the effect of missense changes on protein structure and function are either unavailable or do not agree on the potential impact of this missense change (SIFT: "Deleterious"; PolyPhen-2: "Probably Damaging"; Align-GVGD: "Class C15"). In summary, the available evidence is currently insufficient to determine the role of this variant in disease. Therefore, it has been classified as a Variant of Uncertain Significance.